The following is an entry in ClinVar:

ClinVar aggregate classification (germline): Uncertain significance (1 of 4 stars; one submission).

Conditions:
Hereditary cancer-predisposing syndrome. Also called: Neoplastic Syndromes, Hereditary; Tumor predisposition; Hereditary neoplastic syndrome; Hereditary Cancer Syndrome. Identifiers: Orphanet 140162, MedGen C0027672, MeSH D009386, MONDO:0015356.

Submission:

Ambry Genetics
Classification: Uncertain significance for Hereditary cancer-predisposing syndrome. Last evaluated: 2026-07-02. Review status: criteria provided, single submitter. Criteria: Ambry Variant Classification Scheme 2023. Collection method: clinical testing. Allele origin: germline.
Comment: The p.F118Y variant (also known as c.353T>A), located in coding exon 3 of the NF2 gene, results from a T to A substitution at nucleotide position 353. The phenylalanine at codon 118 is replaced by tyrosine, an amino acid with highly similar properties. This amino acid position is conserved. In addition, the in silico prediction for this alteration is inconclusive. Based on the available evidence, the clinical significance of this variant remains unclear.

NM_000268.4(NF2):c.353T>A (p.Phe118Tyr)

Gene: NF2 (NF2, moesin-ezrin-radixin like (MERLIN) tumor suppressor; plus strand). Cytogenetic location: 22q12.2.
Variant type: single nucleotide variant.
Coding change: c.353T>A on transcript NM_000268.4 (MANE Select); coding-DNA position 353, T replaced by A.
Protein change: p.Phe118Tyr; replaces phenylalanine 118 with tyrosine.
Molecular consequence: missense variant. On other transcripts: 5 prime UTR variant (1), intron variant (8).
Genome position (GRCh38, 1-based): chr22:29,639,202, T>A. VCF-style: chr22-29639202-T-A. GRCh37 (hg19) VCF-style: chr22-30035191-T-A.
Other names: c.239T>A, p.Phe80Tyr (NM_001407053.1, NM_001407056.1); c.227T>A, p.Phe76Tyr (NM_001407055.1, NM_181828.3); c.353T>A, p.Phe118Tyr (NM_001407057.1, NM_001407059.1, NM_001407060.1 and 5 more transcripts); c.-288T>A (NM_001407065.1); c.122T>A, p.Phe41Tyr (NM_001407067.1); c.240+2326T>A (NM_001407058.1, NM_181829.3, NM_001407054.1 and 1 more transcripts); c.115-3000T>A (NM_001407063.1, NM_181830.3, NM_001407064.1 and 1 more transcripts); short protein forms F41Y, F76Y, F80Y, F118Y.
Identifiers: ClinVar variation 5025674 (VCV005025674.1).